The following is an entry in ClinVar:

ClinVar aggregate classification (germline): Uncertain significance (1 of 4 stars; one submission).

Conditions:
MHC class II deficiency. Also called: Bare lymphocyte syndrome 2; BLS, TYPE II. Identifiers: Orphanet 572, MedGen C5447452, MONDO:0008855.

Allele frequency attached by ClinVar (database versions not stated): gnomAD exomes below 0.00001.
gnomAD v4.1: 1 of 1,550,680 alleles (0.000064%); highest among the groups gnomAD compares: Non-Finnish European, 0.000087%; no homozygotes.

Submission:

Labcorp Genetics (formerly Invitae), Labcorp
Classification: Uncertain significance for MHC class II deficiency. Last evaluated: 2019-08-19. Review status: criteria provided, single submitter. Criteria: Invitae Variant Classification Sherloc (09022015). Collection method: clinical testing. Allele origin: germline.
Comment: In summary, the available evidence is currently insufficient to determine the role of this variant in disease. Therefore, it has been classified as a Variant of Uncertain Significance. Algorithms developed to predict the effect of missense changes on protein structure and function are either unavailable or do not agree on the potential impact of this missense change (SIFT: "Tolerated"; PolyPhen-2: "Possibly Damaging"; Align-GVGD: "Class C0"). This variant has not been reported in the literature in individuals with RFXAP-related conditions. The frequency data for this variant in the population databases is considered unreliable, as metrics indicate insufficient coverage at this position in the ExAC database. This sequence change replaces proline with leucine at codon 51 of the RFXAP protein (p.Pro51Leu). The proline residue is moderately conserved and there is a moderate physicochemical difference between proline and leucine.

NM_000538.4(RFXAP):c.152C>T (p.Pro51Leu)

Genes: RFXAP (regulatory factor X associated protein; plus strand), LOC130009573 (ATAC-STARR-seq lymphoblastoid silent region 5267; plus strand). Cytogenetic location: 13q13.3.
Variant type: single nucleotide variant.
Coding change: c.152C>T on transcript NM_000538.4 (MANE Select); coding-DNA position 152, C replaced by T.
Protein change: p.Pro51Leu; replaces proline 51 with leucine.
Molecular consequence: missense variant.
Genome position (GRCh38, 1-based): chr13:36,819,509, C>T. VCF-style: chr13-36819509-C-T. GRCh37 (hg19) VCF-style: chr13-37393646-C-T.
Other names: short protein forms P51L.
Identifiers: ClinVar variation 952517 (VCV000952517.9), dbSNP rs2057954189, ClinGen allele CA387852348.
Genomic context (GRCh38, chr13:36,819,509, plus strand): 5'-CCTTGGCGCCAGCCTCGGTGGCGGCCGCGGCCTCTCAATTCACCCTGCTAGTGATGCAAC[C>T]CTGTGCTGGGCAGGACGAGGCTGCGGCCCCCGGGGGCAGCGTTGGGGCGGGCAAGCCCGT-3'
Protein context (NP_000529.1, residues 41-61): ASQFTLLVMQ[Pro51Leu]CAGQDEAAAP